The following is an entry in ClinVar:

NC_000009.12:g.(?_99105186)_(99105322_?)del

Genes: TGFBR1 (transforming growth factor beta receptor 1; plus strand), LOC130002223 (ATAC-STARR-seq lymphoblastoid silent region 20124; plus strand). Cytogenetic location: 9q22.33.
Variant type: Deletion.
Identifiers: ClinVar variation 639379 (VCV000639379.1).

ClinVar aggregate classification (germline): Pathogenic (1 of 4 stars; one submission).

Conditions:
Familial thoracic aortic aneurysm and aortic dissection (TAAD). Also called: Thoracic aortic aneurysms and dissections. Identifiers: Orphanet 91387, MedGen C4707243, MONDO:0019625.

Submission:

Labcorp Genetics (formerly Invitae), Labcorp
Classification: Pathogenic for Familial thoracic aortic aneurysm and aortic dissection. Last evaluated: 2018-08-16. Review status: criteria provided, single submitter. Criteria: Invitae Variant Classification Sherloc (09022015). Collection method: clinical testing. Allele origin: germline.
Comment: This variant is a gross deletion of the genomic region encompassing exon 1 of the TGFBR1 gene, which includes the initiator codon. The 5' end of this event is unknown as it extends beyond the assayed region for this gene and therefore may encompass additional genes. The 3' boundary is likely confined to intron 1 of the TGFBR1 gene. This is expected to result in an absent or disrupted protein product. This variant has not been reported in the literature in individuals with TGFBR1-related disease. Loss-of-function variants in TGFBR1 are known to be pathogenic (PMID: 21358634). For these reasons, this variant has been classified as Pathogenic.